The following is an entry in ClinVar:

NM_019066.5(MAGEL2):c.2872T>C (p.Trp958Arg)

Gene: MAGEL2 (MAGE family member L2; minus strand). Cytogenetic location: 15q11.2.
Variant type: single nucleotide variant.
Coding change: c.2872T>C on transcript NM_019066.5 (MANE Select); coding-DNA position 2872, T replaced by C.
Protein change: p.Trp958Arg; replaces tryptophan 958 with arginine.
Molecular consequence: missense variant.
Genome position (GRCh38, 1-based): chr15:23,644,871, A>G on the plus strand (T>C on the coding strand, the complement: MAGEL2 is on the minus strand). VCF-style: chr15-23644871-A-G. GRCh37 (hg19) VCF-style: chr15-23890018-A-G.
Other names: short protein forms W958R.
Identifiers: ClinVar variation 4988816 (VCV004988816.1).
Genomic context (GRCh38, chr15:23,644,871, plus strand): 5'-CCCTGGAGGTGCTCGGGCCCTCCCAGGCACTCAGGGCCCAGGATGCGCTGGGCCCTTCCC[A>G]GCCACTCAGGATCCTGGAGGTGCTAGGGCCCTCCCAACCACTCAGGCCACGGGGGGTGTT-3'
Protein context (NP_061939.3, residues 948-968): GPSTSRILSG[Trp958Arg]EGPSASWALS

ClinVar aggregate classification (germline): Uncertain significance (1 of 4 stars; one submission).

Conditions:
MAGEL2-related disorder. Also called: MAGEL2-related condition.

gnomAD v4.1: 7 of 1,612,494 alleles (0.00043%); highest among the groups gnomAD compares: Admixed American, 0.0017%; no homozygotes.

Submission:

PreventionGenetics, part of Exact Sciences
Classification: Uncertain significance for MAGEL2-related condition. Last evaluated: 2025-11-04. Review status: criteria provided, single submitter. Criteria: ACMG Guidelines, 2015. Collection method: clinical testing. Allele origin: germline.
Comment: The MAGEL2 c.2872T>C variant is predicted to result in the amino acid substitution p.Trp958Arg. To our knowledge, this variant has not been reported in the literature. This variant is reported in 0.0029% of alleles in individuals of Latino descent in gnomAD. At this time, the clinical significance of this variant is uncertain due to the absence of conclusive functional and genetic evidence.